The following is an entry in ClinVar:

NM_006914.4(RORB):c.187C>G (p.Gln63Glu)

Gene: RORB (RAR related orphan receptor B; plus strand). Cytogenetic location: 9q21.13.
Variant type: single nucleotide variant.
Coding change: c.187C>G on transcript NM_006914.4 (MANE Select); coding-DNA position 187, C replaced by G.
Protein change: p.Gln63Glu; replaces glutamine 63 with glutamic acid.
Molecular consequence: missense variant.
Genome position (GRCh38, 1-based): chr9:74,634,724, C>G. VCF-style: chr9-74634724-C-G. GRCh37 (hg19) VCF-style: chr9-77249640-C-G.
Other names: c.220C>G, p.Gln74Glu (NM_001365023.1); short protein forms Q63E, Q74E.
Identifiers: ClinVar variation 3366206 (VCV003366206.1).

ClinVar aggregate classification (germline): Uncertain significance (1 of 4 stars; one submission).

Submission:

GeneDx
Classification: Uncertain significance. Last evaluated: 2023-10-17. Review status: criteria provided, single submitter. Criteria: GeneDx Variant Classification Process June 2021. Collection method: clinical testing. Allele origin: germline. Affected: yes.
Comment: Not observed at significant frequency in large population cohorts (gnomAD); In silico analysis supports that this missense variant has a deleterious effect on protein structure/function; Has not been previously published as pathogenic or benign to our knowledge